The following is an entry in ClinVar:

ClinVar aggregate classification (germline): Likely benign. Review status: criteria provided, multiple submitters, no conflicts (2 of 4 stars). 4 submissions from 4 submitters: Likely benign (3). 1 of the submissions does not count toward it. Last evaluated 2026-02-02.

Conditions:
GABBR2-related disorder. Also called: GABBR2-related disorders; GABBR2-related condition.
Epileptic encephalopathy. Identifiers: MedGen C0543888, HP:0200134.

Allele frequency attached by ClinVar (database versions not stated): ExAC 0.00014; ESP Exome Variant Server 0.00015; gnomAD exomes 0.00015; TOPMed 0.00018; gnomAD 0.00020 and 0.00021.
gnomAD v4.1: 498 of 1,562,574 alleles (0.032%); highest among the groups gnomAD compares: Non-Finnish European, 0.04%; no homozygotes.

Submissions (4):

Labcorp Genetics (formerly Invitae), Labcorp
Classification: Likely benign for Epileptic encephalopathy. Last evaluated: 2026-02-02. Review status: criteria provided, single submitter. Criteria: Invitae Variant Classification Sherloc (09022015). Collection method: clinical testing. Allele origin: germline.

Blueprint Genetics
Classification: Likely benign. Last evaluated: 2024-10-23. Review status: criteria provided, single submitter. Criteria: ACMG Guidelines, 2015. Collection method: clinical testing. Allele origin: germline.

GeneDx
Classification: Likely benign. Last evaluated: 2020-11-27. Review status: criteria provided, single submitter. Criteria: GeneDx Variant Classification Process June 2021. Collection method: clinical testing. Allele origin: germline. Affected: yes.

PreventionGenetics, part of Exact Sciences
Classification: Likely benign for GABBR2-related condition. Last evaluated: 2019-06-26. Review status: no assertion criteria provided. Collection method: clinical testing. Allele origin: germline. Not counted in ClinVar's aggregate classification.
Comment: This variant is classified as likely benign based on ACMG/AMP sequence variant interpretation guidelines (Richards et al. 2015 PMID: 25741868, with internal and published modifications).

NM_005458.8(GABBR2):c.1771-9G>A

Gene: GABBR2 (gamma-aminobutyric acid type B receptor subunit 2; minus strand). Cytogenetic location: 9q22.33.
Variant type: single nucleotide variant.
Coding change: c.1771-9G>A on transcript NM_005458.8 (MANE Select); 9 bases into the intron before coding-DNA position 1771, G replaced by A.
Molecular consequence: intron variant.
Genome position (GRCh38, 1-based): chr9:98,362,846, C>T on the plus strand (G>A on the coding strand, the complement: GABBR2 is on the minus strand). VCF-style: chr9-98362846-C-T. GRCh37 (hg19) VCF-style: chr9-101125128-C-T.
Identifiers: ClinVar variation 531115 (VCV000531115.16), dbSNP rs77949482, ClinGen allele CA5152615.